The following is an entry in ClinVar:

ClinVar aggregate classification (germline): Likely benign (1 of 4 stars; one submission).

Allele frequency attached by ClinVar (database versions not stated): TOPMed 0.00055; gnomAD 0.00068.
gnomAD v4.1: 1,040 of 1,161,470 alleles (0.09%); highest among the groups gnomAD compares: Non-Finnish European, 0.13%; no homozygotes.

Submission:

CeGaT Center for Human Genetics Tuebingen
Classification: Likely benign. Last evaluated: 2023-02-01. Review status: criteria provided, single submitter. Criteria: CeGaT Center For Human Genetics Tuebingen Variant Classification Criteria Version 2. Collection method: clinical testing. Allele origin: germline. Affected: yes. Observed: 1 variant allele.
Comment: FBN1: BS1

NM_000138.5(FBN1):c.6380-87C>G

Gene: FBN1 (fibrillin 1; minus strand). Cytogenetic location: 15q21.1.
Variant type: single nucleotide variant.
Coding change: c.6380-87C>G on transcript NM_000138.5 (MANE Select); 87 bases into the intron before coding-DNA position 6380, C replaced by G.
Molecular consequence: intron variant.
Genome position (GRCh38, 1-based): chr15:48,437,164, G>C on the plus strand (C>G on the coding strand, the complement: FBN1 is on the minus strand). VCF-style: chr15-48437164-G-C. GRCh37 (hg19) VCF-style: chr15-48729361-G-C.
Other names: c.6380-87C>G (NM_001406716.1).
Identifiers: ClinVar variation 2645312 (VCV002645312.24), dbSNP rs540078618, ClinGen allele CA269526356.